The following is an entry in ClinVar:

ClinVar aggregate classification (germline): Pathogenic. Review status: criteria provided, single submitter (1 of 4 stars). 2 submissions from 2 submitters: Pathogenic (1). 1 of the submissions does not count toward it. Last evaluated 2024-02-14.

Submissions (2):

Labcorp Genetics (formerly Invitae), Labcorp
Classification: Pathogenic. Last evaluated: 2024-02-14. Review status: criteria provided, single submitter. Criteria: Invitae Variant Classification Sherloc (09022015). Collection method: clinical testing. Allele origin: germline.
Comment: This sequence change creates a premature translational stop signal (p.Cys1177*) in the ABCA4 gene. It is expected to result in an absent or disrupted protein product. Loss-of-function variants in ABCA4 are known to be pathogenic (PMID: 10958761, 24938718, 25312043, 26780318). This variant is not present in population databases (gnomAD no frequency). This premature translational stop signal has been observed in individual(s) with Stargardt disease (PMID: 14517951, 28365912). ClinVar contains an entry for this variant (Variation ID: 99230). For these reasons, this variant has been classified as Pathogenic.

Retina International
No classification provided. Review status: no classification provided. Collection method: not provided. Allele origin: not provided. Not counted in ClinVar's aggregate classification.

Literature cited by the submitters: PubMed 10958761 (cited by Labcorp Genetics (formerly Invitae), Labcorp); PubMed 24938718 (cited by Labcorp Genetics (formerly Invitae), Labcorp); PubMed 25312043 (cited by Labcorp Genetics (formerly Invitae), Labcorp); PubMed 26780318 (cited by Labcorp Genetics (formerly Invitae), Labcorp); PubMed 14517951 (cited by Labcorp Genetics (formerly Invitae), Labcorp); PubMed 28365912 (cited by Labcorp Genetics (formerly Invitae), Labcorp).

NM_000350.3(ABCA4):c.3531C>A (p.Cys1177Ter)

Gene: ABCA4 (ATP binding cassette subfamily A member 4; minus strand). Cytogenetic location: 1p22.1.
Variant type: single nucleotide variant.
Coding change: c.3531C>A on transcript NM_000350.3 (MANE Select); coding-DNA position 3531, C replaced by A.
Protein change: p.Cys1177Ter; replaces cysteine 1177 with a stop codon.
Molecular consequence: nonsense.
Genome position (GRCh38, 1-based): chr1:94,040,119, G>T on the plus strand (C>A on the coding strand, the complement: ABCA4 is on the minus strand). VCF-style: chr1-94040119-G-T. GRCh37 (hg19) VCF-style: chr1-94505675-G-T.
Other names: c.3309C>A, p.Cys1103Ter (NM_001425324.1); short protein forms C1177*, C1103*.
Identifiers: ClinVar variation 99230 (VCV000099230.3), dbSNP rs61750125, ClinGen allele CA227122.
Genomic context (GRCh38, chr1:94,040,119, plus strand): 5'-TGGAGTTAGGTCATCGACGTGGGCTGGACACGTGGTGGAGAAACCCTTAGACGAGCAGCT[G>T]CAGGTCCCCTGCAACAGATGGATGGGATGACTGACAAGATGCACATCCCTTCCATGACAG-3'